The following is an entry in ClinVar:

ClinVar aggregate classification (germline): Uncertain significance (1 of 4 stars; one submission).

Allele frequency attached by ClinVar (database versions not stated): gnomAD exomes below 0.00001 and 0.00001.

Submission:

Labcorp Genetics (formerly Invitae), Labcorp
Classification: Uncertain significance. Last evaluated: 2022-03-10. Review status: criteria provided, single submitter. Criteria: Invitae Variant Classification Sherloc (09022015). Collection method: clinical testing. Allele origin: germline.
Comment: This variant is present in population databases (no rsID available, gnomAD 0.003%). This variant has not been reported in the literature in individuals affected with USH1G-related conditions. This sequence change replaces arginine, which is basic and polar, with glutamine, which is neutral and polar, at codon 163 of the USH1G protein (p.Arg163Gln). In summary, the available evidence is currently insufficient to determine the role of this variant in disease. Therefore, it has been classified as a Variant of Uncertain Significance. Algorithms developed to predict the effect of missense changes on protein structure and function are either unavailable or do not agree on the potential impact of this missense change (SIFT: "Not Available"; PolyPhen-2: "Possibly Damaging"; Align-GVGD: "Not Available").

NM_173477.5(USH1G):c.488G>A (p.Arg163Gln)

Gene: USH1G (USH1 protein network component sans; minus strand). Cytogenetic location: 17q25.1.
Variant type: single nucleotide variant.
Coding change: c.488G>A on transcript NM_173477.5 (MANE Select); coding-DNA position 488, G replaced by A.
Protein change: p.Arg163Gln; replaces arginine 163 with glutamine.
Molecular consequence: missense variant.
Genome position (GRCh38, 1-based): chr17:74,920,348, C>T on the plus strand (G>A on the coding strand, the complement: USH1G is on the minus strand). VCF-style: chr17-74920348-C-T. GRCh37 (hg19) VCF-style: chr17-72916443-C-T.
Other names: c.179G>A, p.Arg60Gln (NM_001282489.3); short protein forms R60Q, R163Q.
Identifiers: ClinVar variation 1388341 (VCV001388341.8), dbSNP rs1482126917, ClinGen allele CA400965105.